The following is an entry in ClinVar:

ClinVar aggregate classification (germline): Uncertain significance (1 of 4 stars; one submission).

Conditions:
Hypophosphatasia. Also called: Phosphoethanol-aminuria. Identifiers: Orphanet 436, MedGen C0020630, MeSH D007014, MONDO:0018570.

Submission:

Genomenon, Inc
Classification: Uncertain significance for Hypophosphatasia. Last evaluated: 2026-09-01. Review status: criteria provided, single submitter. Criteria: Genomenon Sequence Variant Interpretation Standards - Updated. Collection method: curation. Allele origin: germline. Affected: yes.
Comment: ALPL p.Ile72Met (c.216C>G) is a missense variant that changes the amino acid at codon 72 from Isoleucine to Methionine. This variant has been observed in at least one proband affected with an ALPL-related disorder (PMID:32160374). It is absent or not present at a significant frequency in gnomAD. In silico models predict that this variant is possibly or probably damaging. In conclusion, we classify ALPL p.Ile72Met (c.216C>G) as a variant of uncertain significance.

Literature cited by the submitters: PubMed 32160374.

NM_000478.6(ALPL):c.216C>G (p.Ile72Met)

Gene: ALPL (alkaline phosphatase, biomineralization associated; plus strand). Cytogenetic location: 1p36.12.
Variant type: single nucleotide variant.
Coding change: c.216C>G on transcript NM_000478.6 (MANE Select); coding-DNA position 216, C replaced by G.
Protein change: p.Ile72Met; replaces isoleucine 72 with methionine.
Molecular consequence: missense variant. On other transcripts: intron variant (1).
Genome position (GRCh38, 1-based): chr1:21,561,131, C>G. VCF-style: chr1-21561131-C-G. GRCh37 (hg19) VCF-style: chr1-21887624-C-G.
Other names: c.51C>G, p.Ile17Met (NM_001127501.4); c.216C>G, p.Ile72Met (NM_001369803.2, NM_001369804.2, NM_001369805.2); c.66+386C>G (NM_001177520.3); short protein forms I17M, I72M.
Identifiers: ClinVar variation 4974801 (VCV004974801.1).